The following is an entry in ClinVar:

NM_022772.4(EPS8L2):c.985-5C>A

Gene: EPS8L2 (EPS8 signaling adaptor L2; plus strand). Cytogenetic location: 11p15.5.
Variant type: single nucleotide variant.
Coding change: c.985-5C>A on transcript NM_022772.4 (MANE Select); 5 bases into the intron before coding-DNA position 985, C replaced by A.
Molecular consequence: intron variant.
Genome position (GRCh38, 1-based): chr11:722,086, C>A. VCF-style: chr11-722086-C-A. GRCh37 (hg19) VCF-style: chr11-722086-C-A.
Identifiers: ClinVar variation 3362824 (VCV003362824.3).

ClinVar aggregate classification (germline): Uncertain significance (1 of 4 stars; one submission).

Conditions:
Hearing loss, autosomal recessive 106. Also called: DEAFNESS, AUTOSOMAL RECESSIVE 106. Identifiers: MedGen C4539954, MONDO:0033198, OMIM 617637.

Submission:

Neuberg Centre For Genomic Medicine, NCGM
Classification: Uncertain significance for Hearing loss, autosomal recessive 106. Review status: criteria provided, single submitter. Criteria: ACMG Guidelines, 2015. Collection method: clinical testing. Allele origin: germline. Inheritance: Autosomal recessive inheritance. Affected: yes.
Comment: The observed splice region/ intron variant c.985-5C>A in EPS8L2 gene has not been reported previously as a pathogenic variant nor as a benign variant, to our knowledge. The c.985-5C>A variant is absent in gnomAD Exomes. The variant is predicted as Benign by SpliceAI Prediction. For these reasons, this variant has been classified as Uncertain Significance.